The following is an entry in ClinVar:

ClinVar aggregate classification (germline): Pathogenic/Likely pathogenic. Review status: criteria provided, multiple submitters, no conflicts (2 of 4 stars). 2 submissions from 2 submitters: Pathogenic (1); Likely pathogenic (1). Last evaluated 2026-02-24.

Conditions:
Microcephaly 1, primary, autosomal recessive (MCPH1). Also called: PREMATURE CHROMOSOME CONDENSATION SYNDROME; PCC SYNDROME; PREMATURE CHROMOSOME CONDENSATION WITH MICROCEPHALY AND MENTAL RETARDATION. Identifiers: Orphanet 2512, MedGen C1855081, MONDO:0009617, OMIM 251200.
Autosomal recessive primary microcephaly. Identifiers: Orphanet 2512, MedGen C3711387, MONDO:0016660.

Submissions (2):

Women's Health and Genetics/Laboratory Corporation of America, LabCorp
Classification: Pathogenic for Autosomal recessive primary microcephaly. Last evaluated: 2026-02-24. Review status: criteria provided, single submitter. Criteria: LabCorp Variant Classification Summary - May 2015. Collection method: clinical testing. Allele origin: germline.
Comment: Variant summary: MCPH1 c.1341_1344delTTCT (p.Ser448ArgfsX51) results in a premature termination codon, predicted to cause a truncation of the encoded protein or absence of the protein due to nonsense mediated decay, which are commonly known mechanisms for disease. The variant allele was found at a frequency of 4e-06 in 249490 control chromosomes (gnomAD). To our knowledge, no occurrence of c.1341_1344delTTCT in individuals affected with MCPH1-related conditions and no experimental evidence demonstrating its impact on protein function have been reported. No submitters have cited clinical-significance assessments for this variant to ClinVar. Based on the evidence outlined above, the variant was classified as pathogenic.

Juno Genomics, Hangzhou Juno Genomics, Inc
Classification: Likely pathogenic for Microcephaly 1, primary, autosomal recessive. Review status: criteria provided, single submitter. Criteria: ACMG Guidelines, 2015. Collection method: clinical testing. Allele origin: germline.
Comment: Null variant in a gene where loss of function (LOF) is a known mechanism of disease.;Absent from controls (or at extremely low frequency if recessive) in Genome Aggregation Database.

NM_024596.5(MCPH1):c.1341_1344del (p.Ser448fs)

Gene: MCPH1 (microcephalin 1; plus strand). Cytogenetic location: 8p23.1.
Variant type: Deletion.
Coding change: c.1341_1344del on transcript NM_024596.5 (MANE Select); coding-DNA positions 1341 to 1344, 4 bases deleted (TTCT; older notation c.1341_1344delTTCT).
Protein change: p.Ser448fs; shifts the reading frame from serine 448.
Molecular consequence: frameshift variant. On other transcripts: non-coding transcript variant (1).
Genome position (GRCh38, 1-based): chr8:6,445,063-6,445,066, TTCT deleted; deleting any 4 consecutive bases within chr8:6,445,060-6,445,066 gives the same sequence; the c. name uses the placement nearest the transcript's 3' end. VCF-style (leftmost placement, unchanged base first): chr8-6445059-GTCTT-G. GRCh37 (hg19) VCF-style: chr8-6302580-GTCTT-G.
Other names: c.1341_1344del, p.Ser448fs (NM_001172574.2, NM_001322042.2, NM_001363979.1 and 3 more transcripts); c.1197_1200del, p.Ser400fs (NM_001172575.2); c.1335_1338del, p.Ser446fs (NM_001322043.2); c.1239_1242del, p.Ser414fs (NM_001322045.2); c.1341_1344delTTCT (NM_024596.5); short protein forms S400fs, S414fs, S446fs, S448fs.
Identifiers: ClinVar variation 4848157 (VCV004848157.3).